The following is an entry in ClinVar:

NM_018124.4(RFWD3):c.143G>C (p.Gly48Ala)

Gene: RFWD3 (ring finger and WD repeat domain 3; minus strand). Cytogenetic location: 16q23.1.
Variant type: single nucleotide variant.
Coding change: c.143G>C on transcript NM_018124.4 (MANE Select); coding-DNA position 143, G replaced by C.
Protein change: p.Gly48Ala; replaces glycine 48 with alanine.
Molecular consequence: missense variant. On other transcripts: 5 prime UTR variant (4), intron variant (1).
Genome position (GRCh38, 1-based): chr16:74,661,307, C>G on the plus strand (G>C on the coding strand, the complement: RFWD3 is on the minus strand). VCF-style: chr16-74661307-C-G. GRCh37 (hg19) VCF-style: chr16-74695205-C-G.
Other names: c.143G>C, p.Gly48Ala (NM_001370534.1, NM_001370535.1, NM_001370536.1); c.-866G>C (NM_001370537.1); c.-489G>C (NM_001370539.1, NM_001370541.1); c.-743G>C (NM_001370542.1); c.-621G>C (NM_001370543.1); c.-317+3317G>C (NM_001370540.1); short protein forms G48A.
Identifiers: ClinVar variation 2089860 (VCV002089860.4), dbSNP rs2544144028, ClinGen allele CA396764526.
Genomic context (GRCh38, chr16:74,661,307, plus strand): 5'-GGTGGTGTCGCTTGGCTGCTGATCACCTCAGCAGGAGCTGGCTGGAGGATGGATGGTACC[C>G]CCTGGCTGCTGACCACATCAGCAGGAACAGGCTGGAGGAGGGCTGGTCCCCCTTGGCTGC-3'
Protein context (NP_060594.3, residues 38-58): PVPADVVSSQ[Gly48Ala]VPSILQPAPA

ClinVar aggregate classification (germline): Uncertain significance (1 of 4 stars; one submission).

gnomAD v4.1: 4 of 1,613,928 alleles (0.00025%); highest among the groups gnomAD compares: Admixed American, 0.0067%; no homozygotes.

Submission:

Labcorp Genetics (formerly Invitae), Labcorp
Classification: Uncertain significance. Last evaluated: 2023-11-27. Review status: criteria provided, single submitter. Criteria: Invitae Variant Classification Sherloc (09022015). Collection method: clinical testing. Allele origin: germline.
Comment: This sequence change replaces glycine, which is neutral and non-polar, with alanine, which is neutral and non-polar, at codon 48 of the RFWD3 protein (p.Gly48Ala). This variant is not present in population databases (gnomAD no frequency). This variant has not been reported in the literature in individuals affected with RFWD3-related conditions. ClinVar contains an entry for this variant (Variation ID: 2089860). An algorithm developed to predict the effect of missense changes on protein structure and function (PolyPhen-2) suggests that this variant is likely to be tolerated. In summary, the available evidence is currently insufficient to determine the role of this variant in disease. Therefore, it has been classified as a Variant of Uncertain Significance.